The following is an entry in ClinVar:

ClinVar aggregate classification (germline): Likely benign. Review status: criteria provided, multiple submitters, no conflicts (2 of 4 stars). 2 submissions from 2 submitters: Likely benign (2). Last evaluated 2018-01-13.

Conditions:
Dilated cardiomyopathy 1DD (CMD1DD). Identifiers: Orphanet 154, MedGen C2750995, MONDO:0013168, OMIM 613172.

Allele frequency attached by ClinVar (database versions not stated): 1000 Genomes Project 0.01677; TOPMed 0.01696; 1000 Genomes Project 30x 0.01749; gnomAD 0.01952 and 0.01972.

Submissions (2):

Illumina Laboratory Services, Illumina
Classification: Likely benign for Dilated cardiomyopathy 1DD. Last evaluated: 2018-01-13. Review status: criteria provided, single submitter. Criteria: ICSL Variant Classification Criteria 13 December 2019. Collection method: clinical testing. Allele origin: germline.
Comment: This variant was observed in the ICSL laboratory as part of a predisposition screen in an ostensibly healthy population. It had not been previously curated by ICSL or reported in the Human Gene Mutation Database (HGMD: prior to June 1st, 2018), and was therefore a candidate for classification through an automated scoring system. Utilizing variant allele frequency, disease prevalence and penetrance estimates, and inheritance mode, an automated score was calculated to assess if this variant is too frequent to cause the disease. Based on the score and internal cut-off values, a variant classified as likely benign is not then subjected to further curation. The score for this variant resulted in a classification of likely benign for this disease.

Breakthrough Genomics
Classification: Likely benign. Review status: criteria provided, single submitter. Criteria: ACMG Guidelines, 2015. Collection method: not provided. Allele origin: germline. Inheritance: Autosomal dominant inheritance. Affected: yes.

NM_001134363.3(RBM20):c.*2722T>G

Gene: RBM20 (RNA binding motif protein 20; plus strand). Cytogenetic location: 10q25.2.
Variant type: single nucleotide variant.
Coding change: c.*2722T>G on transcript NM_001134363.3 (MANE Select); 2722 bases downstream of the stop codon, T replaced by G.
Molecular consequence: 3 prime UTR variant.
Genome position (GRCh38, 1-based): chr10:110,838,700, T>G. VCF-style: chr10-110838700-T-G. GRCh37 (hg19) VCF-style: chr10-112598458-T-G.
Other names: c.*2722T>G (LRG_382t1).
Identifiers: ClinVar variation 298846 (VCV000298846.6), dbSNP rs61862946, ClinGen allele CA10631011.